The following is an entry in ClinVar:

ClinVar aggregate classification (germline): Uncertain significance (1 of 4 stars; one submission).

Submission:

Labcorp Genetics (formerly Invitae), Labcorp
Classification: Uncertain significance. Last evaluated: 2025-09-06. Review status: criteria provided, single submitter. Criteria: Invitae Variant Classification Sherloc (09022015). Collection method: clinical testing. Allele origin: germline.
Comment: This sequence change replaces phenylalanine, which is neutral and non-polar, with valine, which is neutral and non-polar, at codon 84 of the FGF12 protein (p.Phe84Val). This variant is not present in population databases (gnomAD no frequency). This variant has not been reported in the literature in individuals affected with FGF12-related conditions. Invitae Evidence Modeling of protein sequence and biophysical properties (such as structural, functional, and spatial information, amino acid conservation, physicochemical variation, residue mobility, and thermodynamic stability) indicates that this missense variant is not expected to disrupt FGF12 protein function with a negative predictive value of 80%. In summary, the available evidence is currently insufficient to determine the role of this variant in disease. Therefore, it has been classified as a Variant of Uncertain Significance.

NM_004113.6(FGF12):c.64T>G (p.Phe22Val)

Gene: FGF12 (fibroblast growth factor 12; minus strand). Cytogenetic location: 3q28.
Variant type: single nucleotide variant.
Coding change: c.64T>G on transcript NM_004113.6 (MANE Select); coding-DNA position 64, T replaced by G.
Protein change: p.Phe22Val; replaces phenylalanine 22 with valine.
Molecular consequence: missense variant. On other transcripts: 5 prime UTR variant (2), intron variant (1).
Genome position (GRCh38, 1-based): chr3:192,360,488, A>C on the plus strand (T>G on the coding strand, the complement: FGF12 is on the minus strand). VCF-style: chr3-192360488-A-C. GRCh37 (hg19) VCF-style: chr3-192078277-A-C.
Other names: c.-9T>G (NM_001377293.1, NM_001377294.1); c.250T>G, p.Phe84Val (NM_021032.5); c.14-25024T>G (NM_001377292.1); short protein forms F22V, F84V.
Identifiers: ClinVar variation 4746875 (VCV004746875.1).